The following is an entry in ClinVar:

NM_001035.3(RYR2):c.9471A>C (p.Glu3157Asp)

Gene: RYR2 (ryanodine receptor 2; plus strand). Cytogenetic location: 1q43.
Variant type: single nucleotide variant.
Coding change: c.9471A>C on transcript NM_001035.3 (MANE Select); coding-DNA position 9471, A replaced by C.
Protein change: p.Glu3157Asp; replaces glutamic acid 3157 with aspartic acid.
Molecular consequence: missense variant.
Genome position (GRCh38, 1-based): chr1:237,705,234, A>C. VCF-style: chr1-237705234-A-C. GRCh37 (hg19) VCF-style: chr1-237868534-A-C.
Other names: short protein forms E3157D.
Identifiers: ClinVar variation 3073594 (VCV003073594.1), dbSNP rs2547389961, ClinGen allele CA345407507.

ClinVar aggregate classification (germline): Uncertain significance (1 of 4 stars; one submission).

Conditions:
Catecholaminergic polymorphic ventricular tachycardia (CVPT). Also called: Catecholamine-induced polymorphic ventricular tachycardia. Identifiers: Orphanet 3286, MedGen C5574922, MONDO:0017990.

Submission:

All of Us Research Program, National Institutes of Health
Classification: Uncertain significance for Catecholaminergic polymorphic ventricular tachycardia. Last evaluated: 2023-10-02. Review status: criteria provided, single submitter. Criteria: ACMG Guidelines, 2015. Collection method: clinical testing. Allele origin: germline. Inheritance: Autosomal dominant inheritance. Observed: 1 variant allele, 1 heterozygote.
Comment: This missense variant replaces glutamic acid with aspartic acid at codon 3157 of the RYR2 protein. Computational prediction suggests that this variant may not impact protein structure and function (internally defined REVEL score threshold <= 0.5, PMID: 27666373). To our knowledge, functional studies have not been reported for this variant. This variant has not been reported in individuals affected with RYR2-related disorders in the literature. This variant has not been identified in the general population by the Genome Aggregation Database (gnomAD). The available evidence is insufficient to determine the role of this variant in disease conclusively. Therefore, this variant is classified as a Variant of Uncertain Significance.

This study involves interpretation of variants in research participants for the purpose of population health screening. Participant phenotype was not available at the time of variant classification. Additional details can be found in publication PMID: 35346344, PMCID: PMC8962531